The following is an entry in ClinVar:

ClinVar aggregate classification (germline): Uncertain significance. Review status: criteria provided, multiple submitters, no conflicts (2 of 4 stars). 2 submissions from 2 submitters: Uncertain significance (2). Last evaluated 2024-04-25.

Conditions:
Inborn genetic diseases. Identifiers: MedGen C0950123, MeSH D030342.

gnomAD v4.1: 5 of 1,613,532 alleles (0.00031%); highest among the groups gnomAD compares: East Asian, 0.011%; no homozygotes.

Submissions (2):

GeneDx
Classification: Uncertain significance. Last evaluated: 2024-04-25. Review status: criteria provided, single submitter. Criteria: GeneDx Variant Classification Process June 2021. Collection method: clinical testing. Allele origin: germline. Affected: yes.
Comment: Not observed at significant frequency in large population cohorts (gnomAD); In silico analysis indicates that this missense variant does not alter protein structure/function; Has not been previously published as pathogenic or benign to our knowledge

Ambry Genetics
Classification: Uncertain significance for Inborn genetic diseases. Last evaluated: 2023-10-05. Review status: criteria provided, single submitter. Criteria: Ambry Variant Classification Scheme 2023. Collection method: clinical testing. Allele origin: germline.

NM_033305.3(VPS13A):c.7117A>C (p.Lys2373Gln)

Gene: VPS13A (vacuolar protein sorting 13 homolog A; plus strand). Cytogenetic location: 9q21.2.
Variant type: single nucleotide variant.
Coding change: c.7117A>C on transcript NM_033305.3 (MANE Select); coding-DNA position 7117, A replaced by C.
Protein change: p.Lys2373Gln; replaces lysine 2373 with glutamine.
Molecular consequence: missense variant.
Genome position (GRCh38, 1-based): chr9:77,344,243, A>C. VCF-style: chr9-77344243-A-C. GRCh37 (hg19) VCF-style: chr9-79959159-A-C.
Other names: c.7000A>C, p.Lys2334Gln (NM_001018037.2); c.7117A>C, p.Lys2373Gln (NM_001018038.3, NM_015186.4); short protein forms K2373Q, K2334Q.
Identifiers: ClinVar variation 3188760 (VCV003188760.2), dbSNP rs751521392, ClinGen allele CA373853049.